The following is an entry in ClinVar:

NM_014874.4(MFN2):c.2251C>T (p.Gln751Ter)

Gene: MFN2 (mitofusin 2; plus strand). Cytogenetic location: 1p36.22.
Variant type: single nucleotide variant.
Coding change: c.2251C>T on transcript NM_014874.4 (MANE Select); coding-DNA position 2251, C replaced by T.
Protein change: p.Gln751Ter; replaces glutamine 751 with a stop codon.
Molecular consequence: nonsense.
Genome position (GRCh38, 1-based): chr1:12,011,542, C>T. VCF-style: chr1-12011542-C-T. GRCh37 (hg19) VCF-style: chr1-12071599-C-T.
Other names: chr1-12011542-C-T; p.Gln751Ter; c.2251C>T, p.Gln751Ter (NM_001127660.2); short protein forms Q751*.
Identifiers: ClinVar variation 572169 (VCV000572169.9), dbSNP rs1557539119, ClinGen allele CA338454512.
Genomic context (GRCh38, chr1:12,011,542, plus strand): 5'-CCATTTCTTTGCAGGAATAAAGCCGGTTGGTTGGACAGTGAGCTCAACATGTTCACACAC[C>T]AGTACCTGCAGCCCAGCAGATAGTGGGCACCTGAGGCGGAGTCTGCGTGGAGAGGGGCGG-3'

ClinVar aggregate classification (germline): Pathogenic. Review status: criteria provided, multiple submitters, no conflicts (2 of 4 stars). 3 submissions from 3 submitters: Pathogenic (2). 1 of the submissions does not count toward it. Last evaluated 2023-05-17.

Conditions:
Charcot-Marie-Tooth disease type 2A2. Also called: HEREDITARY MOTOR AND SENSORY NEUROPATHY IIA2; HMSN IIA2; CHARCOT-MARIE-TOOTH DISEASE, AXONAL, TYPE 2A2; CHARCOT-MARIE-TOOTH DISEASE, NEURONAL, TYPE 2A2; Charcot-Marie-Tooth Neuropathy Type 2A2; CHARCOT-MARIE-TOOTH DISEASE, AXONAL, AUTOSOMAL DOMINANT, TYPE 2A2A. Identifiers: Orphanet 99947, MedGen C4721887, MONDO:0012231, OMIM 609260.
Charcot-Marie-Tooth disease. Also called: Charcot-Marie-Tooth Neuropathy; Charcot-Marie-Tooth Hereditary Neuropathy. Identifiers: Orphanet 166, MedGen C0007959, MONDO:0015626.
Charcot-Marie-Tooth disease type 2. Also called: Charcot-Marie-Tooth type 2. Identifiers: Orphanet 64746, MedGen C0270914, MONDO:0018993.

Submissions (3):

Labcorp Genetics (formerly Invitae), Labcorp
Classification: Pathogenic for Charcot-Marie-Tooth disease type 2. Last evaluated: 2023-05-17. Review status: criteria provided, single submitter. Criteria: Invitae Variant Classification Sherloc (09022015). Collection method: clinical testing. Allele origin: germline.
Comment: This premature translational stop signal has been observed in individual(s) with Charcot-Marie-Tooth disease (PMID: 16714318). In at least one individual the variant was observed to be de novo. This variant is not present in population databases (gnomAD no frequency). This sequence change creates a premature translational stop signal (p.Gln751*) in the MFN2 gene. While this is not anticipated to result in nonsense mediated decay, it is expected to disrupt the last 7 amino acid(s) of the MFN2 protein. ClinVar contains an entry for this variant (Variation ID: 572169). For these reasons, this variant has been classified as Pathogenic.

Laboratório de Neurologia Aplicada e Experimental, Faculdade de Medicina de Ribeirao Preto – Universidade de Sao Paulo
Classification: Pathogenic for Charcot-Marie-Tooth disease type 2A2. Last evaluated: 2021-07-20. Review status: criteria provided, single submitter. Criteria: ACMG Guidelines, 2015. Collection method: research. Allele origin: germline. Inheritance: Autosomal dominant inheritance. Affected: yes. Observed: 2 variant alleles, 2 heterozygotes.

Inherited Neuropathy Consortium
Classification: Uncertain significance for Charcot-Marie-Tooth disease. Review status: no assertion criteria provided. Collection method: literature only. Allele origin: germline. Affected: yes. Not counted in ClinVar's aggregate classification.

Literature cited by the submitters: PubMed 16714318 (cited by 3 submitters); PubMed 26801520 (cited by Laboratório de Neurologia Aplicada e Experimental, Faculdade de Medicina de Ribeirao Preto – Universidade de Sao Paulo).